The following is an entry in ClinVar:

NM_001142800.2(EYS):c.7627G>A (p.Gly2543Ser)

Gene: EYS (eyes shut homolog; minus strand). Cytogenetic location: 6q12.
Variant type: single nucleotide variant.
Coding change: c.7627G>A on transcript NM_001142800.2 (MANE Select); coding-DNA position 7627, G replaced by A.
Protein change: p.Gly2543Ser; replaces glycine 2543 with serine.
Molecular consequence: missense variant.
Genome position (GRCh38, 1-based): chr6:63,788,201, C>T on the plus strand (G>A on the coding strand, the complement: EYS is on the minus strand). VCF-style: chr6-63788201-C-T. GRCh37 (hg19) VCF-style: chr6-64498094-C-T.
Other names: c.7627G>A, p.Gly2543Ser (NM_001292009.2); short protein forms G2543S.
Identifiers: ClinVar variation 843789 (VCV000843789.6), dbSNP rs1770415980, ClinGen allele CA364385397.
Genomic context (GRCh38, chr6:63,788,201, plus strand): 5'-AGAGATCTGGAGTGTATTCACTGTAGCCACCTACATAAAACTGACTGAAGACATTGAGAC[C>T]AACCAGTCTTCCTGGGGCGATAATGGATTTATTTTTATGATCATCTACCTTCGAAAGGGA-3'
Protein context (NP_001136272.1, residues 2533-2553): KSIIAPGRLV[Gly2543Ser]LNVFSQFYVG

ClinVar aggregate classification (germline): Uncertain significance (1 of 4 stars; one submission).

Submission:

Labcorp Genetics (formerly Invitae), Labcorp
Classification: Uncertain significance. Last evaluated: 2021-09-01. Review status: criteria provided, single submitter. Criteria: Invitae Variant Classification Sherloc (09022015). Collection method: clinical testing. Allele origin: germline.
Comment: This sequence change replaces glycine with serine at codon 2543 of the EYS protein (p.Gly2543Ser). The glycine residue is highly conserved and there is a small physicochemical difference between glycine and serine. This variant is not present in population databases (ExAC no frequency). This variant has not been reported in the literature in individuals affected with EYS-related conditions. Algorithms developed to predict the effect of missense changes on protein structure and function (SIFT, PolyPhen-2, Align-GVGD) all suggest that this variant is likely to be disruptive. Algorithms developed to predict the effect of sequence changes on RNA splicing suggest that this variant may create or strengthen a splice site. In summary, the available evidence is currently insufficient to determine the role of this variant in disease. Therefore, it has been classified as a Variant of Uncertain Significance.